The following is an entry in ClinVar:

NM_006269.2(RP1):c.1468G>T (p.Glu490Ter)

Gene: RP1 (RP1 axonemal microtubule associated; plus strand). Cytogenetic location: 8q12.1.
Variant type: single nucleotide variant.
Coding change: c.1468G>T on transcript NM_006269.2 (MANE Select); coding-DNA position 1468, G replaced by T.
Protein change: p.Glu490Ter; replaces glutamic acid 490 with a stop codon.
Molecular consequence: nonsense. On other transcripts: intron variant (1).
Genome position (GRCh38, 1-based): chr8:54,625,350, G>T. VCF-style: chr8-54625350-G-T. GRCh37 (hg19) VCF-style: chr8-55537910-G-T.
Other names: c.787+3062G>T (NM_001375654.1); short protein forms E490*.
Identifiers: ClinVar variation 849071 (VCV000849071.12), dbSNP rs765035454, ClinGen allele CA4751378.
Genomic context (GRCh38, chr8:54,625,350, plus strand): 5'-GTATCTGAAACTGAGGTTCAAGAGAAAATGATTGGACAGTTTTCATATAGTGAAGAAAGG[G>T]AAAGTGGGGAAAACAAGTCTGAGTATCACATGTTTACACATTCTTGCAGTAAAATGTCAT-3'

ClinVar aggregate classification (germline): Pathogenic/Likely pathogenic. Review status: criteria provided, multiple submitters, no conflicts (2 of 4 stars). 4 submissions from 4 submitters: Pathogenic (3); Likely pathogenic (1). Last evaluated 2025-07-27.

Conditions:
Retinitis pigmentosa 1 (RP1). Identifiers: Orphanet 791, MedGen C0220701, MONDO:0008377, OMIM 180100.
RP1-related disorder. Also called: RP1-related condition.

Allele frequency attached by ClinVar (database versions not stated): gnomAD 0.00001; TOPMed 0.00002.
gnomAD v4.1: 18 of 1,614,020 alleles (0.0011%); highest among the groups gnomAD compares: Non-Finnish European, 0.0014%; no homozygotes.

Submissions (4):

PreventionGenetics, part of Exact Sciences
Classification: Pathogenic for RP1-related condition. Last evaluated: 2025-07-27. Review status: criteria provided, single submitter. Criteria: ACMG Guidelines, 2015. Collection method: clinical testing. Allele origin: germline.
Comment: The RP1 c.1468G>T variant is predicted to result in premature protein termination (p.Glu490*). This variant has been reported along with a second causative RP1 variant in individuals with retinitis pigmentosa (Huckfeldt et al. 2020. PubMed ID: 32565670; Table S4, Panneman et al. 2023. PubMed ID: 36819107). This variant is reported in 0.0062% of alleles in individuals of European (Non-Finnish) descent in gnomAD. Nonsense variants in RP1 are expected to be pathogenic. This variant is interpreted as pathogenic.

Labcorp Genetics (formerly Invitae), Labcorp
Classification: Pathogenic. Last evaluated: 2025-01-13. Review status: criteria provided, single submitter. Criteria: Invitae Variant Classification Sherloc (09022015). Collection method: clinical testing. Allele origin: germline.
Comment: This sequence change creates a premature translational stop signal (p.Glu490*) in the RP1 gene. While this is not anticipated to result in nonsense mediated decay, it is expected to disrupt the last 1667 amino acid(s) of the RP1 protein. This variant is present in population databases (rs765035454, gnomAD 0.006%). This premature translational stop signal has been observed in individual(s) with autosomal recessive retinitis pigmentosa (internal data). It has also been observed to segregate with disease in related individuals. ClinVar contains an entry for this variant (Variation ID: 849071). Algorithms developed to predict the effect of sequence changes on RNA splicing suggest that this variant may create or strengthen a splice site. This variant disrupts the C-terminus of the RP1 protein. Many variants that disrupt this region have been reported in individuals with either autosomal dominant or autosomal recessive retinitis pigmentosa (PMID: 11527933, 19933189, 29425069, 30027431, 33681214). Therefore, variants that disrupt this region are expected to be disease-causing. For these reasons, this variant has been classified as Pathogenic.

Blueprint Genetics
Classification: Pathogenic for RP1-related disorders. Last evaluated: 2023-12-08. Review status: criteria provided, single submitter. Criteria: ACMG Guidelines, 2015. Collection method: clinical testing. Allele origin: germline. Affected: yes. Observed: 5 variant alleles.

Fulgent Genetics
Classification: Likely pathogenic for Retinitis pigmentosa 1. Last evaluated: 2022-03-24. Review status: criteria provided, single submitter. Criteria: ACMG Guidelines, 2015. Collection method: clinical testing. Allele origin: unknown.

Literature cited by the submitters: PubMed 11527933 (cited by Labcorp Genetics (formerly Invitae), Labcorp); PubMed 19933189 (cited by Labcorp Genetics (formerly Invitae), Labcorp); PubMed 29425069 (cited by Labcorp Genetics (formerly Invitae), Labcorp); PubMed 30027431 (cited by Labcorp Genetics (formerly Invitae), Labcorp); PubMed 33681214 (cited by Labcorp Genetics (formerly Invitae), Labcorp).